The following is an entry in ClinVar:

ClinVar aggregate classification (germline): Uncertain significance. Review status: criteria provided, multiple submitters, no conflicts (2 of 4 stars). 3 submissions from 3 submitters: Uncertain significance (3). Last evaluated 2023-10-19.

Conditions:
Familial thoracic aortic aneurysm and aortic dissection (TAAD). Also called: Thoracic aortic aneurysms and dissections. Identifiers: Orphanet 91387, MedGen C4707243, MONDO:0019625.
Aortic aneurysm, familial thoracic 7 (AAT7). Also called: AORTIC DISSECTION, FAMILIAL, WITH OR WITHOUT AORTIC ANEURYSM. Identifiers: MedGen C3151077, MONDO:0013418, OMIM 613780.

Allele frequency attached by ClinVar (database versions not stated): gnomAD 0.00001; TOPMed 0.00001; ExAC 0.00002; gnomAD exomes 0.00002.
gnomAD v4.1: 28 of 1,613,944 alleles (0.0017%); highest among the groups gnomAD compares: Admixed American, 0.0067%; no homozygotes.

Submissions (4):

Ambry Genetics
Classification: Uncertain significance for Familial thoracic aortic aneurysm and aortic dissection. Last evaluated: 2023-10-19. Review status: criteria provided, single submitter. Criteria: Ambry Variant Classification Scheme 2023. Collection method: clinical testing. Allele origin: germline.
Comment: The p.S1646G variant (also known as c.4936A>G), located in coding exon 26 of the MYLK gene, results from an A to G substitution at nucleotide position 4936. The serine at codon 1646 is replaced by glycine, an amino acid with similar properties. This amino acid position is highly conserved in available vertebrate species. In addition, this alteration is predicted to be deleterious by in silico analysis. Since supporting evidence is limited at this time, the clinical significance of this alteration remains unclear.

Labcorp Genetics (formerly Invitae), Labcorp
Classification: Uncertain significance for Aortic aneurysm, familial thoracic 7. Last evaluated: 2022-01-28. Review status: criteria provided, single submitter. Criteria: Invitae Variant Classification Sherloc (09022015). Collection method: clinical testing. Allele origin: germline.
Comment: This sequence change replaces serine, which is neutral and polar, with glycine, which is neutral and non-polar, at codon 1646 of the MYLK protein (p.Ser1646Gly). This variant is present in population databases (rs758272545, gnomAD 0.01%). This variant has not been reported in the literature in individuals affected with MYLK-related conditions. ClinVar contains an entry for this variant (Variation ID: 1318842). Advanced modeling of protein sequence and biophysical properties (such as structural, functional, and spatial information, amino acid conservation, physicochemical variation, residue mobility, and thermodynamic stability) performed at Invitae indicates that this missense variant is not expected to disrupt MYLK protein function. In summary, the available evidence is currently insufficient to determine the role of this variant in disease. Therefore, it has been classified as a Variant of Uncertain Significance.

GeneDx
Classification: Uncertain significance. Last evaluated: 2019-08-06. Review status: criteria provided, single submitter. Criteria: GeneDx Variant Classification Process June 2021. Collection method: clinical testing. Allele origin: germline. Affected: yes.
Comment: Has not been previously published as pathogenic or benign to our knowledge; In silico analysis, which includes protein predictors and evolutionary conservation, supports a deleterious effect

Dr. Peter K. Rogan Lab, Western University
No classification provided (evidence only). Condition: Ovarian serous cystadenocarcinoma. Review status: no classification provided. Collection method: in vitro. Allele origin: not applicable. Functional consequence: retained intron. Not counted in ClinVar's aggregate classification.

NM_053025.4(MYLK):c.4936A>G (p.Ser1646Gly)

Gene: MYLK (myosin light chain kinase; minus strand). Cytogenetic location: 3q21.1.
Variant type: single nucleotide variant.
Coding change: c.4936A>G on transcript NM_053025.4 (MANE Select); coding-DNA position 4936, A replaced by G.
Protein change: p.Ser1646Gly; replaces serine 1646 with glycine.
Molecular consequence: missense variant.
Genome position (GRCh38, 1-based): chr3:123,638,096, T>C on the plus strand (A>G on the coding strand, the complement: MYLK is on the minus strand). VCF-style: chr3-123638096-T-C. GRCh37 (hg19) VCF-style: chr3-123356943-T-C.
Other names: c.4408A>G, p.Ser1470Gly (NM_001321309.2); c.4729A>G, p.Ser1577Gly (NM_053026.4, NM_053028.4); c.4936A>G, p.Ser1646Gly (NM_053027.4); short protein forms S1470G, S1577G, S1646G.
Identifiers: ClinVar variation 1318842 (VCV001318842.9), dbSNP rs758272545, ClinGen allele CA072253.
Genomic context (GRCh38, chr3:123,638,096, plus strand): 5'-TGGTCCACCAGTCCACCAAGTGCCCCAGGACTCACAGGATGTAGCAGATGACCCCGATGC[T>C]CCACATGTCTGTGGCGTAGCCGATGGGCTCATAGTTGATCACTTCAGGAGCCACAAATTC-3'
Protein context (NP_444253.3, residues 1636-1656): EPIGYATDMW[Ser1646Gly]IGVICYILVS